The following is an entry in ClinVar:

ClinVar aggregate classification (germline): Uncertain significance (1 of 4 stars; one submission).

Submission:

Women's Health and Genetics/Laboratory Corporation of America, LabCorp
Classification: Uncertain significance. Last evaluated: 2024-07-10. Review status: criteria provided, single submitter. Criteria: LabCorp Variant Classification Summary - May 2015. Collection method: clinical testing. Allele origin: germline.
Comment: Variant summary: NACC1 c.839A>G (p.Asn280Ser) results in a conservative amino acid change in the encoded protein sequence. Five of five in-silico tools predict a benign effect of the variant on protein function. The variant was absent in 250400 control chromosomes (gnomAD). The available data on variant occurrences in the general population are insufficient to allow any conclusion about variant significance. To our knowledge, no occurrence of c.839A>G in individuals affected with Neurodevelopmental Disorder With Epilepsy, Cataracts, Feeding Difficulties, And Delayed Brain Myelination and no experimental evidence demonstrating its impact on protein function have been reported. No submitters have cited clinical-significance assessments for this variant to ClinVar. Based on the evidence outlined above, the variant was classified as uncertain significance.

NM_052876.4(NACC1):c.839A>G (p.Asn280Ser)

Gene: NACC1 (nucleus accumbens associated 1; plus strand). Cytogenetic location: 19p13.13.
Variant type: single nucleotide variant.
Coding change: c.839A>G on transcript NM_052876.4 (MANE Select); coding-DNA position 839, A replaced by G.
Protein change: p.Asn280Ser; replaces asparagine 280 with serine.
Molecular consequence: missense variant.
Genome position (GRCh38, 1-based): chr19:13,136,046, A>G. VCF-style: chr19-13136046-A-G. GRCh37 (hg19) VCF-style: chr19-13246860-A-G.
Other names: short protein forms N280S.
Identifiers: ClinVar variation 3338978 (VCV003338978.1).
Genomic context (GRCh38, chr19:13,136,046, plus strand): 5'-AGCGGACCAGCCCAGGCACCTCAAGCGCCTACACCAGCGACAGCCCTGGCTCCTACCACA[A>G]TGAGGAGGACGAGGAGGAGGATGGTGGCGAGGAGGGCATGGATGAGCAGTACCGGCAGAT-3'
Protein context (NP_443108.1, residues 270-290): YTSDSPGSYH[Asn280Ser]EEDEEEDGGE